The following is an entry in ClinVar:

NM_147127.5(EVC2):c.1715del (p.Asn572fs)

Gene: EVC2 (EvC ciliary complex subunit 2; minus strand). Cytogenetic location: 4p16.2.
Variant type: Deletion.
Coding change: c.1715del on transcript NM_147127.5 (MANE Select); coding-DNA position 1715, one base deleted (A; older notation c.1715delA).
Protein change: p.Asn572fs; shifts the reading frame from asparagine 572.
Molecular consequence: frameshift variant.
Genome position (GRCh38, 1-based): chr4:5,628,730, T deleted on the plus strand (A on the coding strand, the reverse complement: EVC2 is on the minus strand); the first of 2 consecutive T bases (chr4:5,628,730-5,628,731); deleting either gives the same sequence. VCF-style (leftmost placement, unchanged base first): chr4-5628729-AT-A. GRCh37 (hg19) VCF-style: chr4-5630456-AT-A.
Other names: c.1475del, p.Asn492fs (NM_001166136.2); short protein forms N492fs, N572fs.
Identifiers: ClinVar variation 5012786 (VCV005012786.1).

ClinVar aggregate classification (germline): Pathogenic (1 of 4 stars; one submission).

Conditions:
Ellis-van Creveld syndrome (EVC). Also called: MESOECTODERMAL DYSPLASIA; Chondroectodermal dysplasia. Identifiers: Orphanet 289, MedGen C0013903, MONDO:0009162, OMIM 225500.

Submission:

Myriad Genetics, Inc.
Classification: Pathogenic for Ellis-van Creveld syndrome. Last evaluated: 2024-02-29. Review status: criteria provided, single submitter. Criteria: Myriad Autosomal Dominant, Autosomal Recessive and X-Linked Classification Criteria (2023). Collection method: clinical testing. Allele origin: unknown.
Comment: NM_147127.4(EVC2):c.1715delA(N572Mfs*2) is expected to be pathogenic in the context of EVC2-related Ellis-van Creveld syndrome. This variant is predicted to lead to an abnormal or absent protein product due to the creation of a premature termination codon in EVC2, a gene where loss-of-function variants are known to be pathogenic. Please note: this variant was assessed in the context of healthy population screening.